The following is an entry in ClinVar:

ClinVar aggregate classification (germline): Benign. Review status: criteria provided, multiple submitters, no conflicts (2 of 4 stars). 2 submissions from 2 submitters: Benign (2). Last evaluated 2025-02-16.

Conditions:
Leigh syndrome (NULS). Also called: Leigh's necrotizing encephalopathy; Leigh's disease; Leigh's syndrome; LEIGH SYNDROME, NUCLEAR; Leigh Syndrome (mtDNA deletion); Leigh Disease. Identifiers: Orphanet 506, MedGen C2931891, MONDO:0009723, OMIM 256000.

Submissions (2):

Laboratory of Genetics, Children's Clinical University Hospital Latvia
Classification: Benign. Last evaluated: 2025-02-16. Review status: criteria provided, single submitter. Criteria: ACMG Guidelines, 2015. Collection method: clinical testing. Allele origin: germline. Affected: yes.

Wong Mito Lab, Molecular and Human Genetics, Baylor College of Medicine
Classification: Benign for Leigh syndrome. Last evaluated: 2019-10-17. Review status: criteria provided, single submitter. Criteria: Modified ACMG Guidelines (Unpublished). Collection method: clinical testing. Allele origin: germline.
Comment: The NC_012920.1:m.13759G>A (YP_003024036.1:p.Ala475Thr) variant in MTND5 gene is interpretated to be a Benign variant based on the modified ACMG guidelines (unpublished). This variant meets the following evidence codes: BA1

NC_012920.1(MT-ND5):m.13759G>A

Gene: MT-ND5 (mitochondrially encoded NADH dehydrogenase 5; plus strand).
Variant type: single nucleotide variant.
Genome position: chrM-13759-G-A.
Identifiers: ClinVar variation 693600 (VCV000693600.2), dbSNP rs386420024, ClinGen allele CA337099800.